The following is an entry in ClinVar:

ClinVar aggregate classification (germline): Uncertain significance (1 of 4 stars; one submission).

Conditions:
Rafiq syndrome (RAFQS). Identifiers: Orphanet 88616, MedGen C3280127, MONDO:0013624, OMIM 614202.

Allele frequency attached by ClinVar (database versions not stated): gnomAD exomes below 0.00001; TOPMed below 0.00001; ExAC 0.00001.
gnomAD v4.1: 3 of 1,613,368 alleles (0.00019%); highest among the groups gnomAD compares: Middle Eastern, 0.016%; no homozygotes.

Submission:

Labcorp Genetics (formerly Invitae), Labcorp
Classification: Uncertain significance for Rafiq syndrome. Last evaluated: 2022-06-11. Review status: criteria provided, single submitter. Criteria: Invitae Variant Classification Sherloc (09022015). Collection method: clinical testing. Allele origin: germline.
Comment: This variant has not been reported in the literature in individuals affected with MAN1B1-related conditions. This variant is present in population databases (rs748308268, gnomAD 0.0009%). This sequence change replaces methionine, which is neutral and non-polar, with threonine, which is neutral and polar, at codon 559 of the MAN1B1 protein (p.Met559Thr). Algorithms developed to predict the effect of missense changes on protein structure and function are either unavailable or do not agree on the potential impact of this missense change (SIFT: "Tolerated"; PolyPhen-2: "Probably Damaging"; Align-GVGD: "Class C0"). In summary, the available evidence is currently insufficient to determine the role of this variant in disease. Therefore, it has been classified as a Variant of Uncertain Significance.

NM_016219.5(MAN1B1):c.1676T>C (p.Met559Thr)

Gene: MAN1B1 (mannosidase alpha class 1B member 1; plus strand). Cytogenetic location: 9q34.3.
Variant type: single nucleotide variant.
Coding change: c.1676T>C on transcript NM_016219.5 (MANE Select); coding-DNA position 1676, T replaced by C.
Protein change: p.Met559Thr; replaces methionine 559 with threonine.
Molecular consequence: missense variant. On other transcripts: non-coding transcript variant (2).
Genome position (GRCh38, 1-based): chr9:137,107,359, T>C. VCF-style: chr9-137107359-T-C. GRCh37 (hg19) VCF-style: chr9-140001811-T-C.
Other names: c.1568T>C, p.Met523Thr (NM_007230.1); short protein forms M523T, M559T.
Identifiers: ClinVar variation 2171331 (VCV002171331.4), dbSNP rs748308268, ClinGen allele CA5359326.